The following is an entry in ClinVar:

ClinVar aggregate classification (germline): Pathogenic/Likely pathogenic. Review status: criteria provided, multiple submitters, no conflicts (2 of 4 stars). 4 submissions from 4 submitters: Pathogenic (1); Likely pathogenic (3). Last evaluated 2025-06-16.

Conditions:
Metaphyseal chondrodysplasia, McKusick type (CHH). Also called: Cartilage-Hair Hypoplasia (CHH); Cartilage-hair hypoplasia. Identifiers: Orphanet 175, MedGen C0220748, MONDO:0009595, OMIM 250250.
Anauxetic dysplasia. Identifiers: Orphanet 93347, MedGen C1846796, MONDO:0011773.

Submissions (4):

Natera, Inc.
Classification: Likely pathogenic for Cartilage-hair hypoplasia. Last evaluated: 2025-06-16. Review status: criteria provided, single submitter. Criteria: Natera Variant Classification Schema (03/2026). Collection method: clinical testing. Allele origin: germline.
Comment: The n.-14_-4dupGAAGCTGAGGA variant in RMRP is a duplication affecting the RMRP promoter region between the TATA box and the transcription initiation site. Other duplications and insertions just upstream of the transcription initiation site have been reported in individuals affected with cartilage-hair hypoplasia (PMID: 11207361, 17937437). This variant is rare in the general population with a frequency below the threshold expected for the associated phenotype(s). Given the available evidence, this variant is classified as Likely pathogenic.

Labcorp Genetics (formerly Invitae), Labcorp
Classification: Pathogenic for Anauxetic dysplasia. Last evaluated: 2023-10-17. Review status: criteria provided, single submitter. Criteria: Invitae Variant Classification Sherloc (09022015). Collection method: clinical testing. Allele origin: germline.
Comment: This variant occurs in the RMRP gene, which encodes an RNA molecule that does not result in a protein product. This variant is not present in population databases (gnomAD no frequency). While this particular variant has not been reported in the literature, it is located in the promoter region between the TATA box and the transcription initiation site, and other insertions and duplications immediately upstream of the coding sequence have been reported in individuals affected with cartilage-hair hypoplasia-anauxetic dysplasia (CHH-AD) spectrum disorders (PMID: 16244706, 11207361, 12107819). Experimental studies and prediction algorithms are not available or were not evaluated, and the functional significance of this variant is currently unknown. While functional studies for this variant have not been reported, experimental analyses using patient derived cells, as well as in vitro transfection studies, have shown that promoter insertions result in silencing of RMRP transcription and reduced expression of the gene product (PMID: 11207361, 16254002). For these reasons, this variant has been classified as Pathogenic.

Women's Health and Genetics/Laboratory Corporation of America, LabCorp
Classification: Likely pathogenic for Metaphyseal chondrodysplasia, McKusick type. Last evaluated: 2022-06-07. Review status: criteria provided, single submitter. Criteria: LabCorp Variant Classification Summary - May 2015. Collection method: clinical testing. Allele origin: germline.
Comment: Variant summary: RMRP n.-14_-4dup11 is located in the promoter region of the RMRP gene which is located between the TATA box (at position -33 to -25) and the transcription initiation site (at +1). Other insertions or duplications in the promoter region of RMRP have been classified as pathogenic (internally and in ClinVar). The variant was absent in 127922 control chromosomes (gnomAD). The available data on variant occurrences in the general population are insufficient to allow any conclusion about variant significance. To our knowledge, no occurrence of n.-14_-4dup11 in individuals affected with Cartilage-Hair Hypoplasia and no experimental evidence demonstrating its impact on protein function have been reported. Many other insertions or duplications in the promoter region of RMRP have been reported in affected individuals in the literature (e.g. PMIDs: 21956908, 21396580) and have been demonstrated through functional studies to lead to reduced RMRP transcription (e.g. PMIDs: 11207361, 16254002). No clinical diagnostic laboratories have submitted clinical-significance assessments for this variant to ClinVar after 2014. Based on the evidence outlined above, the variant was classified as likely pathogenic.

CeGaT Center for Human Genetics Tuebingen
Classification: Likely pathogenic. Last evaluated: 2021-10-01. Review status: criteria provided, single submitter. Criteria: CeGaT Center For Human Genetics Tuebingen Variant Classification Criteria Version 2. Collection method: clinical testing. Allele origin: germline. Affected: yes. Observed: 2 variant alleles.

Literature cited by the submitters: PubMed 11207361 (cited by Natera, Inc. and Labcorp Genetics (formerly Invitae), Labcorp); PubMed 17937437 (cited by Natera, Inc.); PubMed 16244706 (cited by Labcorp Genetics (formerly Invitae), Labcorp); PubMed 12107819 (cited by Labcorp Genetics (formerly Invitae), Labcorp); PubMed 16254002 (cited by Labcorp Genetics (formerly Invitae), Labcorp).

NR_003051.3(RMRP):n.-14_-4dupGAAGCTGAGGA

Gene: RMRP (RNA component of mitochondrial RNA processing endoribonuclease; minus strand). Cytogenetic location: 9p13.3.
Variant type: Duplication.
Genome position: GRCh38 VCF-style: chr9-35658021-G-GTCCTCAGCTTC. GRCh37 (hg19) VCF-style: chr9-35658018-G-GTCCTCAGCTTC.
Identifiers: ClinVar variation 1299143 (VCV001299143.39), dbSNP rs1554651425, ClinGen allele CA2499219889.